The following is an entry in ClinVar:

NM_001447.3(FAT2):c.11083G>A (p.Glu3695Lys)

Genes: FAT2 (FAT atypical cadherin 2; minus strand), SLC36A1 (solute carrier family 36 member 1; plus strand). Cytogenetic location: 5q33.1.
Variant type: single nucleotide variant.
Coding change: c.11083G>A on transcript NM_001447.3 (MANE Select); coding-DNA position 11083, G replaced by A.
Protein change: p.Glu3695Lys; replaces glutamic acid 3695 with lysine.
Molecular consequence: missense variant.
Genome position (GRCh38, 1-based): chr5:151,521,510, C>T on the plus strand (G>A on the coding strand, the complement: FAT2 is on the minus strand). VCF-style: chr5-151521510-C-T. GRCh37 (hg19) VCF-style: chr5-150901071-C-T.
Other names: short protein forms E3695K.
Identifiers: ClinVar variation 4821533 (VCV004821533.4).

ClinVar aggregate classification (germline): Uncertain significance (1 of 4 stars; one submission).

gnomAD v4.1: 31 of 1,614,214 alleles (0.0019%); highest among the groups gnomAD compares: African/African-American, 0.02%; no homozygotes.

Submission:

CeGaT Center for Human Genetics Tuebingen
Classification: Uncertain significance. Last evaluated: 2026-02-01. Review status: criteria provided, single submitter. Criteria: CeGaT Center For Human Genetics Tuebingen Variant Classification Criteria Version 2. Collection method: clinical testing. Allele origin: germline. Affected: yes. Observed: 1 variant allele.
Comment: FAT2: PP2, BP4